The following is an entry in ClinVar:

ClinVar aggregate classification (germline): Uncertain significance. Review status: criteria provided, multiple submitters, no conflicts (2 of 4 stars). 2 submissions from 2 submitters: Uncertain significance (2). Last evaluated 2026-04-11.

Conditions:
Charcot-Marie-Tooth disease axonal type 2O. Also called: CHARCOT-MARIE-TOOTH NEUROPATHY, AXONAL, TYPE 2O; CHARCOT-MARIE-TOOTH DISEASE, AXONAL, AUTOSOMAL DOMINANT, TYPE 2O; Charcot-Marie-Tooth Neuropathy Type 2O; Charcot-Marie-Tooth disease, axonal, type 20. Identifiers: Orphanet 284232, MedGen C3280220, MONDO:0013644, OMIM 614228.
Inborn genetic diseases. Identifiers: MedGen C0950123, MeSH D030342.

Allele frequency attached by ClinVar (database versions not stated): gnomAD 0.00001.
gnomAD v4.1: 1 of 1,613,656 alleles (0.000062%); highest among the groups gnomAD compares: African/African-American, 0.0013%; no homozygotes.

Submissions (2):

Ambry Genetics
Classification: Uncertain significance for Inborn genetic diseases. Last evaluated: 2026-04-11. Review status: criteria provided, single submitter. Criteria: Ambry Variant Classification Scheme 2023. Collection method: clinical testing. Allele origin: germline.
Comment: The c.2363A>G (p.Y788C) alteration is located in exon 8 (coding exon 8) of the DYNC1H1 gene. This alteration results from a A to G substitution at nucleotide position 2363, causing the tyrosine (Y) at amino acid position 788 to be replaced by a cysteine (C). Based on data from gnomAD, the G allele has an overall frequency of 0.003% (1/31384) total alleles studied. The highest observed frequency was 0.012% (1/8712) of African alleles. Based on insufficient or conflicting evidence, the clinical significance of this alteration remains unclear.

Labcorp Genetics (formerly Invitae), Labcorp
Classification: Uncertain significance for Charcot-Marie-Tooth disease axonal type 2O. Last evaluated: 2023-09-12. Review status: criteria provided, single submitter. Criteria: Invitae Variant Classification Sherloc (09022015). Collection method: clinical testing. Allele origin: germline.
Comment: This sequence change replaces tyrosine, which is neutral and polar, with cysteine, which is neutral and slightly polar, at codon 788 of the DYNC1H1 protein (p.Tyr788Cys). This variant is present in population databases (no rsID available, gnomAD 0.01%). This variant has not been reported in the literature in individuals affected with DYNC1H1-related conditions. ClinVar contains an entry for this variant (Variation ID: 2201538). Advanced modeling of protein sequence and biophysical properties (such as structural, functional, and spatial information, amino acid conservation, physicochemical variation, residue mobility, and thermodynamic stability) performed at Invitae indicates that this missense variant is expected to disrupt DYNC1H1 protein function. In summary, the available evidence is currently insufficient to determine the role of this variant in disease. Therefore, it has been classified as a Variant of Uncertain Significance.

NM_001376.5(DYNC1H1):c.2363A>G (p.Tyr788Cys)

Gene: DYNC1H1 (dynein cytoplasmic 1 heavy chain 1; plus strand). Cytogenetic location: 14q32.31.
Variant type: single nucleotide variant.
Coding change: c.2363A>G on transcript NM_001376.5 (MANE Select); coding-DNA position 2363, A replaced by G.
Protein change: p.Tyr788Cys; replaces tyrosine 788 with cysteine.
Molecular consequence: missense variant.
Genome position (GRCh38, 1-based): chr14:101,986,588, A>G. VCF-style: chr14-101986588-A-G. GRCh37 (hg19) VCF-style: chr14-102452925-A-G.
Other names: short protein forms Y788C.
Identifiers: ClinVar variation 2201538 (VCV002201538.5), dbSNP rs1233503817, ClinGen allele CA391023211.